The following is an entry in ClinVar:

ClinVar aggregate classification (germline): Likely benign (0 of 4 stars; one submission).

Conditions:
NCOA1-related disorder. Also called: NCOA1-related condition.

gnomAD v4.1: 84 of 1,594,492 alleles (0.0053%); highest among the groups gnomAD compares: Non-Finnish European, 0.0067%; no homozygotes.

Submission:

PreventionGenetics, part of Exact Sciences
Classification: Likely benign for NCOA1-related condition. Last evaluated: 2024-05-30. Review status: no assertion criteria provided. Collection method: clinical testing. Allele origin: germline.
Comment: This variant is classified as likely benign based on ACMG/AMP sequence variant interpretation guidelines (Richards et al. 2015 PMID: 25741868, with internal and published modifications).

NM_003743.5(NCOA1):c.225T>C (p.Asp75=)

Gene: NCOA1 (nuclear receptor coactivator 1; plus strand). Cytogenetic location: 2p23.3.
Variant type: single nucleotide variant.
Coding change: c.225T>C on transcript NM_003743.5 (MANE Select); coding-DNA position 225, T replaced by C.
Protein change: p.Asp75=; no amino-acid change (aspartic acid 75 retained).
Molecular consequence: synonymous variant.
Genome position (GRCh38, 1-based): chr2:24,665,884, T>C. VCF-style: chr2-24665884-T-C. GRCh37 (hg19) VCF-style: chr2-24888753-T-C.
Other names: c.225T>C, p.Asp75= (NM_001362950.1, NM_001362952.1, NM_001362954.1 and 3 more transcripts).
Identifiers: ClinVar variation 3350751 (VCV003350751.1).
Genomic context (GRCh38, chr2:24,665,884, plus strand): 5'-TGACATTGACAGCTTGAGTGTAAAACCAGACAAATGCAAGATTTTGAAGAAAACAGTCGA[T>C]CAGATACAGCTAATGAAGAGAATGGAACAAGGTAAAAAAGAAAAAGAAAACCCATGGCTG-3'
Protein context (NP_003734.3, residues 65-85): DKCKILKKTV[Asp75=]QIQLMKRMEQ